The following is an entry in ClinVar:

ClinVar aggregate classification (germline): Conflicting classifications of pathogenicity. Review status: criteria provided, conflicting classifications (1 of 4 stars). 3 submissions from 3 submitters: Uncertain significance (2); Likely benign (1). Last evaluated 2024-11-11.

Conditions:
Cardiovascular phenotype. Identifiers: MedGen CN230736.
Hypertrophic cardiomyopathy. Also called: HYPERTROPHIC MYOCARDIOPATHY. Identifiers: Orphanet 217569, MedGen C0007194, MeSH D002312, MONDO:0005045, HP:0001639.

Allele frequency attached by ClinVar (database versions not stated): TOPMed below 0.00001; gnomAD 0.00001.
gnomAD v4.1: 1 of 1,555,110 alleles (0.000064%); highest among the groups gnomAD compares: African/African-American, 0.0014%; no homozygotes.

Submissions (3):

Labcorp Genetics (formerly Invitae), Labcorp
Classification: Uncertain significance for Hypertrophic cardiomyopathy. Last evaluated: 2024-11-11. Review status: criteria provided, single submitter. Criteria: Invitae Variant Classification Sherloc (09022015). Collection method: clinical testing. Allele origin: germline.
Comment: This sequence change replaces serine, which is neutral and polar, with leucine, which is neutral and non-polar, at codon 139 of the MYBPC3 protein (p.Ser139Leu). This variant is not present in population databases (gnomAD no frequency). This variant has not been reported in the literature in individuals affected with MYBPC3-related conditions. ClinVar contains an entry for this variant (Variation ID: 2055205). An algorithm developed to predict the effect of missense changes on protein structure and function (PolyPhen-2) suggests that this variant is likely to be tolerated. In summary, the available evidence is currently insufficient to determine the role of this variant in disease. Therefore, it has been classified as a Variant of Uncertain Significance.

Ambry Genetics
Classification: Likely benign for Cardiovascular phenotype. Last evaluated: 2024-01-10. Review status: criteria provided, single submitter. Criteria: Ambry Variant Classification Scheme 2023. Collection method: clinical testing. Allele origin: germline.

GeneDx
Classification: Uncertain significance. Last evaluated: 2023-11-08. Review status: criteria provided, single submitter. Criteria: GeneDx Variant Classification Process June 2021. Collection method: clinical testing. Allele origin: germline. Affected: yes.
Comment: Not observed at significant frequency in large population cohorts (gnomAD); In silico analysis supports that this missense variant does not alter protein structure/function; Has not been previously published as pathogenic or benign to our knowledge

Literature cited by the submitters: PubMed 33495597 (cited by Ambry Genetics).

NM_000256.3(MYBPC3):c.416C>T (p.Ser139Leu)

Gene: MYBPC3 (myosin binding protein C3; minus strand). Cytogenetic location: 11p11.2.
Variant type: single nucleotide variant.
Coding change: c.416C>T on transcript NM_000256.3 (MANE Select); coding-DNA position 416, C replaced by T.
Protein change: p.Ser139Leu; replaces serine 139 with leucine.
Molecular consequence: missense variant.
Genome position (GRCh38, 1-based): chr11:47,350,103, G>A on the plus strand (C>T on the coding strand, the complement: MYBPC3 is on the minus strand). VCF-style: chr11-47350103-G-A. GRCh37 (hg19) VCF-style: chr11-47371654-G-A.
Other names: short protein forms S139L.
Identifiers: ClinVar variation 2055205 (VCV002055205.6), dbSNP rs730880704, ClinGen allele CA380339071.